The following is an entry in ClinVar:

ClinVar aggregate classification (germline): Benign/Likely benign. Review status: criteria provided, multiple submitters, no conflicts (2 of 4 stars). 4 submissions from 4 submitters: Benign (1); Likely benign (3). Last evaluated 2025-11-24.

Conditions:
Hereditary cancer-predisposing syndrome. Also called: Tumor predisposition; Hereditary neoplastic syndrome; Neoplastic Syndromes, Hereditary; Hereditary Cancer Syndrome. Identifiers: Orphanet 140162, MedGen C0027672, MeSH D009386, MONDO:0015356.
Tuberous sclerosis 2 (TSC2). Identifiers: Orphanet 805, MedGen C1860707, MONDO:0013199, OMIM 613254.

Allele frequency attached by ClinVar (database versions not stated): gnomAD exomes below 0.00001.
gnomAD v4.1: 1 of 1,613,644 alleles (0.000062%); highest among the groups gnomAD compares: Middle Eastern, 0.016%; no homozygotes.

Submissions (4):

Labcorp Genetics (formerly Invitae), Labcorp
Classification: Likely benign for Tuberous sclerosis 2. Last evaluated: 2025-11-24. Review status: criteria provided, single submitter. Criteria: Invitae Variant Classification Sherloc (09022015). Collection method: clinical testing. Allele origin: germline.

Myriad Genetics, Inc.
Classification: Benign for Tuberous sclerosis 2. Last evaluated: 2025-05-19. Review status: criteria provided, single submitter. Criteria: Myriad Autosomal Dominant, Autosomal Recessive and X-Linked Classification Criteria (2023). Collection method: clinical testing. Allele origin: unknown.
Comment: This variant is considered benign. This variant is a silent/synonymous amino acid change and it is not expected to impact splicing.

Ambry Genetics
Classification: Likely benign for Hereditary cancer-predisposing syndrome. Last evaluated: 2025-04-03. Review status: criteria provided, single submitter. Criteria: Ambry Variant Classification Scheme 2023. Collection method: clinical testing. Allele origin: germline.

Blueprint Genetics
Classification: Likely benign. Last evaluated: 2020-02-27. Review status: criteria provided, single submitter. Criteria: ACMG Guidelines, 2015. Collection method: clinical testing. Allele origin: germline.

NM_000548.5(TSC2):c.2313A>T (p.Thr771=)

Gene: TSC2 (TSC complex subunit 2; plus strand). Cytogenetic location: 16p13.3.
Variant type: single nucleotide variant.
Coding change: c.2313A>T on transcript NM_000548.5 (MANE Select); coding-DNA position 2313, A replaced by T.
Protein change: p.Thr771=; no amino-acid change (threonine 771 retained).
Molecular consequence: synonymous variant.
Genome position (GRCh38, 1-based): chr16:2,072,941, A>T. VCF-style: chr16-2072941-A-T. GRCh37 (hg19) VCF-style: chr16-2122942-A-T.
Other names: c.2313A>T, p.Thr771= (NM_001077183.3, NM_001114382.3, NM_001363528.2 and 3 more transcripts); c.2202A>T, p.Thr734= (NM_001318827.2); c.2166A>T, p.Thr722= (NM_001318829.2); c.1713A>T, p.Thr571= (NM_001318831.2); c.2346A>T, p.Thr782= (NM_001318832.2).
Identifiers: ClinVar variation 762040 (VCV000762040.13), dbSNP rs876658215, ClinGen allele CA492952691.